The following is an entry in ClinVar:

NM_001005273.3(CHD3):c.5591-6C>T

Gene: CHD3 (chromodomain helicase DNA binding protein 3; plus strand). Cytogenetic location: 17p13.1.
Variant type: single nucleotide variant.
Coding change: c.5591-6C>T on transcript NM_001005273.3 (MANE Select); 6 bases into the intron before coding-DNA position 5591, C replaced by T.
Molecular consequence: intron variant.
Genome position (GRCh38, 1-based): chr17:7,910,422, C>T. VCF-style: chr17-7910422-C-T. GRCh37 (hg19) VCF-style: chr17-7813740-C-T.
Other names: c.5814-6C>T (NM_001437504.1); c.5768-6C>T (NM_001005271.3); c.5759-6C>T (NM_001437509.1); c.5756-6C>T (NM_001437507.1); c.5654-6C>T (NM_001437508.1); c.5489-6C>T (NM_005852.4).
Identifiers: ClinVar variation 4883358 (VCV004883358.2).

ClinVar aggregate classification (germline): Uncertain significance (1 of 4 stars; one submission).

Conditions:
Snijders Blok-Campeau syndrome. Also called: INTELLECTUAL DEVELOPMENTAL DISORDER WITH MACROCEPHALY, SPEECH DELAY, AND DYSMORPHIC FACIES. Identifiers: Orphanet 599082, MedGen C4748701, MONDO:0032600, OMIM 618205.

Submission:

Dasa
Classification: Uncertain significance for Snijders Blok-Campeau syndrome. Last evaluated: 2026-02-27. Review status: criteria provided, single submitter. Criteria: DASA Assertion Criteria. Collection method: clinical testing. Allele origin: germline.
Comment: NM_001005273.3(CHD3):c.5591-6C>T is a splice-region variant. This variant is rare in population databases. Computational prediction algorithms are consistent with a benign effect. The currently available literature and clinical evidence are not sufficient to establish a definitive association between this variant and the reported condition. Therefore, this variant is classified as a variant of uncertain significance.